The following is an entry in ClinVar:

NM_001114753.3(ENG):c.1665_1671dup (p.Gly558fs)

Genes: ENG (endoglin; minus strand), LOC102723566 (uncharacterized LOC102723566; plus strand). Cytogenetic location: 9q34.11.
Variant type: Duplication.
Coding change: c.1665_1671dup on transcript NM_001114753.3 (MANE Select); coding-DNA positions 1665 to 1671, 7 bases duplicated (CAAGACC; older notation c.1665_1671dupCAAGACC).
Protein change: p.Gly558fs; shifts the reading frame from glycine 558.
Molecular consequence: frameshift variant.
Genome position (GRCh38, 1-based): chr9:127,818,135-127,818,141, GGTCTTG duplicated on the plus strand (CAAGACC on the coding strand, the reverse complement: ENG is on the minus strand); duplicating any 7 consecutive bases within chr9:127,818,135-127,818,143 gives the same sequence; the c. name uses the placement nearest the transcript's 3' end. VCF-style (leftmost placement, unchanged base first): chr9-127818134-C-CGGTCTTG. GRCh37 (hg19) VCF-style: chr9-130580413-C-CGGTCTTG.
Other names: c.1665_1671dup, p.Gly558fs (NM_000118.4); c.1119_1125dup, p.Gly376fs (NM_001278138.2); short protein forms G558fs, G376fs.
Identifiers: ClinVar variation 3650825 (VCV003650825.2).

ClinVar aggregate classification (germline): Pathogenic (1 of 4 stars; one submission).

Conditions:
Hereditary hemorrhagic telangiectasia (HHT). Also called: ORW DISEASE; Osler Weber Rendu syndrome; OSLER-RENDU-WEBER DISEASE; Osler hemorrhagic telangiectasia syndrome. Identifiers: Orphanet 774, MedGen C0039445, MONDO:0019180. Disease mechanism: loss of function.

Submission:

Labcorp Genetics (formerly Invitae), Labcorp
Classification: Pathogenic for Hereditary hemorrhagic telangiectasia. Last evaluated: 2025-06-25. Review status: criteria provided, single submitter. Criteria: Invitae Variant Classification Sherloc (09022015). Collection method: clinical testing. Allele origin: germline.
Comment: This sequence change creates a premature translational stop signal (p.Gly558Glnfs*11) in the ENG gene. While this is not anticipated to result in nonsense mediated decay, it is expected to disrupt the last 68 amino acid(s) of the ENG protein. This variant is not present in population databases (gnomAD no frequency). This variant has not been reported in the literature in individuals affected with ENG-related conditions. ClinVar contains an entry for this variant (Variation ID: 3650825). This variant disrupts a region of the ENG protein in which other variant(s) (p.Leu572*) have been determined to be pathogenic (PMID: 11440987; internal data). This suggests that this is a clinically significant region of the protein, and that variants that disrupt it are likely to be disease-causing. For these reasons, this variant has been classified as Pathogenic.

Literature cited by the submitters: PubMed 11440987.